The following is an entry in ClinVar:

ClinVar aggregate classification (germline): Uncertain significance (3 of 4 stars; one submission).

Conditions:
Hereditary thrombocytopenia and hematologic cancer predisposition syndrome. Identifiers: Orphanet 71290, MedGen CN281654, MONDO:0011071.

Allele frequency attached by ClinVar (database versions not stated): gnomAD 0.00011; TOPMed 0.00011; 1000 Genomes Project 30x 0.00016.

Submission:

ClinGen Myeloid Malignancy Variant Curation Expert Panel
Classification: Uncertain significance for Hereditary thrombocytopenia and hematologic cancer predisposition syndrome. Last evaluated: 2025-01-15. Review status: reviewed by expert panel. Criteria: ClinGen MyeloMalig ACMG Specifications v2. Collection method: curation. Allele origin: germline. Inheritance: Autosomal dominant inheritance.
Comment: NM_001754.5(RUNX1):c.*2217dup is a 3' UTR variant which is completely absent from all population databases with at least 20x coverage for RUNX1 (PM2_Supporting). In summary, the clinical significance of this variant is uncertain. ACMG/AMP criteria applied, as specified by the Myeloid Malignancy Variant Curation Expert Panel for RUNX1: PM2_supporting.

NM_001754.5(RUNX1):c.*2217dup

Gene: RUNX1 (RUNX family transcription factor 1; minus strand). Cytogenetic location: 21q22.12.
Variant type: Duplication.
Coding change: c.*2217dup on transcript NM_001754.5 (MANE Select); 2217 bases downstream of the stop codon, one base duplicated (T; older notation c.*2217dupT).
Molecular consequence: 3 prime UTR variant.
Genome position (GRCh38, 1-based): chr21:34,789,918, A duplicated on the plus strand (T on the coding strand, the reverse complement: RUNX1 is on the minus strand). VCF-style (leftmost placement, unchanged base first): chr21-34789917-C-CA. GRCh37 (hg19) VCF-style: chr21-36162214-C-CA.
Other names: c.*2217dup (NM_001001890.3).
Identifiers: ClinVar variation 339836 (VCV000339836.6), dbSNP rs750408603, ClinGen allele CA10652919.
Genomic context (GRCh38, chr21:34,789,917, plus strand): 5'-AATTAAACTGAAAAACATAATTTTTTCCTTCATTTTTCTCCAGCATTTTTGCAGGTCAGA[C>CA]ATGGTAACATGTGCTGAAAAAAAACATTTACGTTTAATTTGGGGGAAATGGGCTAATGGT-3'